The following is an entry in ClinVar:

NM_007294.4(BRCA1):c.3328_3329dup (p.Gln1111fs)

Genes: BRCA1 (BRCA1 DNA repair associated; minus strand), LOC126862571 (BRD4-independent group 4 enhancer GRCh37_chr17:41243136-41244335; plus strand). Cytogenetic location: 17q21.31.
Variant type: Duplication.
Coding change: c.3328_3329dup on transcript NM_007294.4 (MANE Select); coding-DNA positions 3328 to 3329, 2 bases duplicated (AA; older notation c.3328_3329dupAA).
Protein change: p.Gln1111fs; shifts the reading frame from glutamine 1111.
Molecular consequence: frameshift variant. On other transcripts: intron variant (137).
Genome position (GRCh38, 1-based): chr17:43,092,202-43,092,203, TT duplicated on the plus strand (AA on the coding strand, the reverse complement: BRCA1 is on the minus strand); duplicating any 2 consecutive bases within chr17:43,092,202-43,092,207 gives the same sequence; the c. name uses the placement nearest the transcript's 3' end. VCF-style (leftmost placement, unchanged base first): chr17-43092201-C-CTT. GRCh37 (hg19) VCF-style: chr17-41244218-C-CTT.
Other names: c.3115_3116dup, p.Gln1040fs (NM_001407571.1, NM_001407853.1, NM_001407894.1 and 9 more transcripts); c.3328_3329dup, p.Gln1111fs (NM_001407581.1, NM_001407582.1, NM_001407583.1 and 30 more transcripts); c.3325_3326dup, p.Gln1110fs (NM_001407587.1, NM_001407590.1, NM_001407591.1 and 22 more transcripts); c.3319_3320dup, p.Gln1108fs (NM_001407646.1, NM_001407647.1); c.3205_3206dup, p.Gln1070fs (NM_001407648.1, NM_001407664.1, NM_001407665.1 and 19 more transcripts); c.3202_3203dup, p.Gln1069fs (NM_001407649.1, NM_001407670.1, NM_001407671.1 and 11 more transcripts); c.3250_3251dup, p.Gln1085fs (NM_001407653.1, NM_001407654.1, NM_001407655.1 and 4 more transcripts); c.3247_3248dup, p.Gln1084fs (NM_001407659.1, NM_001407660.1, NM_001407661.1 and 1 more transcripts); and 41 more; short protein forms Q1111fs, Q1064fs, Q1023fs, Q1108fs, Q999fs, Q1022fs, Q1069fs, Q1085fs.
Identifiers: ClinVar variation 1412697 (VCV001412697.7), dbSNP rs80357575, ClinGen allele CA919844519.

ClinVar aggregate classification (germline): Pathogenic (1 of 4 stars; one submission).

Conditions:
Hereditary breast ovarian cancer syndrome. Also called: Hereditary breast and ovarian cancer syndrome (HBOC); Breast and ovarian cancer; Hereditary breast and ovarian cancer syndrome; Hereditary breast and/or ovarian cancer syndrome; Hereditary breast and ovarian cancer; BRCA1- and BRCA2-Associated Hereditary Breast and Ovarian Cancer. Identifiers: Orphanet 145, MedGen C0677776, MeSH D061325, MONDO:0003582. Disease mechanism: loss of function.

Submission:

Labcorp Genetics (formerly Invitae), Labcorp
Classification: Pathogenic for Hereditary breast ovarian cancer syndrome. Last evaluated: 2021-08-11. Review status: criteria provided, single submitter. Criteria: Invitae Variant Classification Sherloc (09022015). Collection method: clinical testing. Allele origin: germline.
Comment: This variant is not present in population databases (ExAC no frequency). This variant has not been reported in the literature in individuals affected with BRCA1-related conditions. For these reasons, this variant has been classified as Pathogenic. This sequence change creates a premature translational stop signal (p.Gln1111Serfs*7) in the BRCA1 gene. It is expected to result in an absent or disrupted protein product. Loss-of-function variants in BRCA1 are known to be pathogenic (PMID: 20104584).

Literature cited by the submitters: PubMed 20104584.